The following is an entry in ClinVar:

ClinVar aggregate classification (germline): Uncertain significance (1 of 4 stars; one submission).

Allele frequency attached by ClinVar (database versions not stated): gnomAD exomes below 0.00001.
gnomAD v4.1: 1 of 1,613,738 alleles (0.000062%); highest among the groups gnomAD compares: Non-Finnish European, 0.000085%; no homozygotes.

Submission:

Labcorp Genetics (formerly Invitae), Labcorp
Classification: Uncertain significance. Last evaluated: 2021-10-18. Review status: criteria provided, single submitter. Criteria: Invitae Variant Classification Sherloc (09022015). Collection method: clinical testing. Allele origin: germline.
Comment: This variant has not been reported in the literature in individuals affected with SERPING1-related conditions. This variant is not present in population databases (ExAC no frequency). This sequence change replaces phenylalanine with tyrosine at codon 418 of the SERPING1 protein (p.Phe418Tyr). The phenylalanine residue is moderately conserved and there is a small physicochemical difference between phenylalanine and tyrosine. Advanced modeling of protein sequence and biophysical properties (such as structural, functional, and spatial information, amino acid conservation, physicochemical variation, residue mobility, and thermodynamic stability) performed at Invitae indicates that this missense variant is not expected to disrupt SERPING1 protein function. In summary, the available evidence is currently insufficient to determine the role of this variant in disease. Therefore, it has been classified as a Variant of Uncertain Significance.

NM_000062.3(SERPING1):c.1253T>A (p.Phe418Tyr)

Gene: SERPING1 (serpin family G member 1; plus strand). Cytogenetic location: 11q12.1.
Variant type: single nucleotide variant.
Coding change: c.1253T>A on transcript NM_000062.3 (MANE Select); coding-DNA position 1253, T replaced by A.
Protein change: p.Phe418Tyr; replaces phenylalanine 418 with tyrosine.
Molecular consequence: missense variant.
Genome position (GRCh38, 1-based): chr11:57,614,331, T>A. VCF-style: chr11-57614331-T-A. GRCh37 (hg19) VCF-style: chr11-57381804-T-A.
Other names: c.1253T>A, p.Phe418Tyr (NM_001032295.2); short protein forms F418Y.
Identifiers: ClinVar variation 1345107 (VCV001345107.6), dbSNP rs2135327831, ClinGen allele CA380690126.